The following is an entry in ClinVar:

ClinVar aggregate classification (germline): Likely benign (1 of 4 stars; one submission).

Conditions:
NR1H4-related disorder. Also called: NR1H4-related condition.

gnomAD v4.1: 9 of 1,614,114 alleles (0.00056%); highest among the groups gnomAD compares: South Asian, 0.0088%; no homozygotes.

Submission:

PreventionGenetics, part of Exact Sciences
Classification: Likely benign for NR1H4-related condition. Last evaluated: 2026-09-01. Review status: criteria provided, single submitter. Criteria: ACMG Guidelines, 2015. Collection method: clinical testing. Allele origin: germline.
Comment: This variant is classified as likely benign based on ACMG/AMP sequence variant interpretation guidelines (Richards et al. 2015 PMID: 25741868, with internal and published modifications).

NM_001206979.2(NR1H4):c.1321C>T (p.Leu441=)

Gene: NR1H4 (nuclear receptor subfamily 1 group H member 4; plus strand). Cytogenetic location: 12q23.1.
Variant type: single nucleotide variant.
Coding change: c.1321C>T on transcript NM_001206979.2 (MANE Select); coding-DNA position 1321, C replaced by T.
Protein change: p.Leu441=; no amino-acid change (leucine 441 retained).
Molecular consequence: synonymous variant. On other transcripts: non-coding transcript variant (1).
Genome position (GRCh38, 1-based): chr12:100,563,379, C>T. VCF-style: chr12-100563379-C-T. GRCh37 (hg19) VCF-style: chr12-100957157-C-T.
Other names: c.1321C>T, p.Leu441= (NM_001206977.2); c.1168C>T, p.Leu390= (NM_001206978.2); c.1339C>T, p.Leu447= (NM_001206992.2); c.1351C>T, p.Leu451= (NM_001206993.2); c.1309C>T, p.Leu437= (NM_005123.4).
Identifiers: ClinVar variation 4989744 (VCV004989744.1).
Genomic context (GRCh38, chr12:100,563,379, plus strand): 5'-AAGTTGTGTAAGATTCACCAGCCTGAAAATCCTCAACACTTTGCCTGTCTCCTGGGTCGC[C>T]TGACTGAATTACGGACATTCAATCATCACCACGCTGAGATGCTGATGTCATGGAGAGTAA-3'
Protein context (NP_001193908.1, residues 431-451): PQHFACLLGR[Leu441=]TELRTFNHHH